The following is an entry in ClinVar:

ClinVar aggregate classification (germline): Pathogenic (1 of 4 stars; one submission).

Conditions:
PURA-related severe neonatal hypotonia-seizures-encephalopathy syndrome (NEDRIHF). Also called: PURA-Related Neurodevelopmental Disorders; NEURODEVELOPMENTAL DISORDER WITH NEONATAL RESPIRATORY INSUFFICIENCY, HYPOTONIA, AND FEEDING DIFFICULTIES. Identifiers: Orphanet 438213, Orphanet 438216, MedGen C4015357, MONDO:1060108, OMIM 616158, MONDO:0018580.

Submission:

Victorian Clinical Genetics Services, Murdoch Childrens Research Institute
Classification: Pathogenic for PURA-related severe neonatal hypotonia-seizures-encephalopathy syndrome. Last evaluated: 2023-07-16. Review status: criteria provided, single submitter. Criteria: ACMG Guidelines, 2015. Collection method: clinical testing. Allele origin: germline. Inheritance: Autosomal dominant inheritance. Affected: yes.
Comment: Based on the classification scheme VCGS_Germline_v1.3.4, this variant is classified as Pathogenic. Following criteria are met: 0102 - Loss of function is likely a mechanism of disease in this gene and is associated with neurodevelopmental disorder with neonatal respiratory insufficiency, hypotonia, and feeding difficulties (MIM#616158; PMID: 28448108). (I) 0107 - This gene is associated with autosomal dominant disease. (I) 0115 - Variants in this gene are known to have variable expressivity (PMID: 29097605). (I) 0200 - Variant is predicted to result in a missense amino acid change from phenylalanine to valine. (I) 0251 - This variant is heterozygous. (I) 0301 - Variant is absent from gnomAD (both v2 and v3). (SP) 0502 - Missense variant with conflicting in silico predictions and uninformative conservation. (I) 0603 - Missense variant in a region that is highly intolerant to missense variation (high constraint region in DECIPHER). (SP) 0704 - Another missense variant comparable to the one identified in this case has limited previous evidence for pathogenicity. This alternative change (p.(Phe73Ser)) has been reported as de novo in an individual with global developmental delay and infantile hypotonia (PMID: 29150892). (SP) 0807 - This variant has no previous evidence of pathogenicity. (I) 0905 - No published segregation evidence has been identified for this variant. (I) 1007 - No published functional evidence has been identified for this variant. (SP) Legend: (SP) - Supporting pathogenic, (I) - Information, (SB) - Supporting benign

Literature cited by the submitters: PubMed 28448108; PubMed 29097605; PubMed 29150892.

NM_005859.5(PURA):c.217T>G (p.Phe73Val)

Gene: PURA (purine rich element binding protein A; plus strand). Cytogenetic location: 5q31.3.
Variant type: single nucleotide variant.
Coding change: c.217T>G on transcript NM_005859.5 (MANE Select); coding-DNA position 217, T replaced by G.
Protein change: p.Phe73Val; replaces phenylalanine 73 with valine.
Molecular consequence: missense variant.
Genome position (GRCh38, 1-based): chr5:140,114,398, T>G. VCF-style: chr5-140114398-T-G. GRCh37 (hg19) VCF-style: chr5-139493983-T-G.
Other names: short protein forms F73V.
Identifiers: ClinVar variation 1805900 (VCV001805900.2), dbSNP rs2479504523, ClinGen allele CA361490153.